The following is an entry in ClinVar:

NM_004946.3(DOCK2):c.2938A>G (p.Ile980Val)

Gene: DOCK2 (dedicator of cytokinesis 2; plus strand). Cytogenetic location: 5q35.1.
Variant type: single nucleotide variant.
Coding change: c.2938A>G on transcript NM_004946.3 (MANE Select); coding-DNA position 2938, A replaced by G.
Protein change: p.Ile980Val; replaces isoleucine 980 with valine.
Molecular consequence: missense variant. On other transcripts: non-coding transcript variant (1).
Genome position (GRCh38, 1-based): chr5:169,985,867, A>G. VCF-style: chr5-169985867-A-G. GRCh37 (hg19) VCF-style: chr5-169412871-A-G.
Other names: short protein forms I980V.
Identifiers: ClinVar variation 966256 (VCV000966256.9), dbSNP rs1410814229, ClinGen allele CA362101845.

ClinVar aggregate classification (germline): Uncertain significance (1 of 4 stars; one submission).

Conditions:
DOCK2 deficiency. Also called: Immunodeficiency 40. Identifiers: Orphanet 447737, MedGen C4225328, MONDO:0014637, OMIM 616433.

Allele frequency attached by ClinVar (database versions not stated): gnomAD exomes below 0.00001.
gnomAD v4.1: 3 of 1,610,932 alleles (0.00019%); highest among the groups gnomAD compares: Non-Finnish European, 0.00017%; no homozygotes.

Submission:

Labcorp Genetics (formerly Invitae), Labcorp
Classification: Uncertain significance for DOCK2 deficiency. Last evaluated: 2019-10-14. Review status: criteria provided, single submitter. Criteria: Invitae Variant Classification Sherloc (09022015). Collection method: clinical testing. Allele origin: germline.
Comment: This sequence change replaces isoleucine with valine at codon 980 of the DOCK2 protein (p.Ile980Val). The isoleucine residue is moderately conserved and there is a small physicochemical difference between isoleucine and valine. This variant is not present in population databases (ExAC no frequency). This variant has not been reported in the literature in individuals with DOCK2-related conditions. Algorithms developed to predict the effect of missense changes on protein structure and function (SIFT, PolyPhen-2, Align-GVGD) all suggest that this variant is likely to be tolerated, but these predictions have not been confirmed by published functional studies and their clinical significance is uncertain. In summary, the available evidence is currently insufficient to determine the role of this variant in disease. Therefore, it has been classified as a Variant of Uncertain Significance.